The following is an entry in ClinVar:

NM_000444.6(PHEX):c.1303-3T>C

Gene: PHEX (phosphate regulating endopeptidase X-linked; plus strand). Cytogenetic location: Xp22.11.
Variant type: single nucleotide variant.
Coding change: c.1303-3T>C on transcript NM_000444.6 (MANE Select); 3 bases into the intron before coding-DNA position 1303, T replaced by C.
Molecular consequence: intron variant.
Genome position (GRCh38, 1-based): chrX:22,133,520, T>C. VCF-style: chrX-22133520-T-C. GRCh37 (hg19) VCF-style: chrX-22151637-T-C.
Other names: c.1303-3T>C (NM_001282754.2).
Identifiers: ClinVar variation 2809625 (VCV002809625.3), dbSNP rs2518547971, ClinGen allele CA2739268138.
Genomic context (GRCh38, chrX:22,133,520, plus strand): 5'-TCCAGAAAACCTCGACTGAAGCTTCTTGGCTTTGACGTTCCCTCTTTGGGTATTTTCTTG[T>C]AGATGGAGGAATTGGTTGAGGGCGTTCGCTGGGCCTTTATTGACATGCTAGAGAAAGAAA-3'

ClinVar aggregate classification (germline): Uncertain significance (1 of 4 stars; one submission).

Submission:

Labcorp Genetics (formerly Invitae), Labcorp
Classification: Uncertain significance. Last evaluated: 2022-11-01. Review status: criteria provided, single submitter. Criteria: Invitae Variant Classification Sherloc (09022015). Collection method: clinical testing. Allele origin: germline.
Comment: In summary, the available evidence is currently insufficient to determine the role of this variant in disease. Therefore, it has been classified as a Variant of Uncertain Significance. Variants that disrupt the consensus splice site are a relatively common cause of aberrant splicing (PMID: 17576681, 9536098). Algorithms developed to predict the effect of sequence changes on RNA splicing suggest that this variant is not likely to affect RNA splicing. This variant has not been reported in the literature in individuals affected with PHEX-related conditions. This variant is not present in population databases (gnomAD no frequency). This sequence change falls in intron 11 of the PHEX gene. It does not directly change the encoded amino acid sequence of the PHEX protein. It affects a nucleotide within the consensus splice site.

Literature cited by the submitters: PubMed 17576681; PubMed 9536098.